The following is an entry in ClinVar:

NM_000090.4(COL3A1):c.3077G>C (p.Gly1026Ala)

Gene: COL3A1 (collagen type III alpha 1 chain; plus strand). Cytogenetic location: 2q32.2.
Variant type: single nucleotide variant.
Coding change: c.3077G>C on transcript NM_000090.4 (MANE Select); coding-DNA position 3077, G replaced by C.
Protein change: p.Gly1026Ala; replaces glycine 1026 with alanine.
Molecular consequence: missense variant.
Genome position (GRCh38, 1-based): chr2:189,006,243, G>C. VCF-style: chr2-189006243-G-C. GRCh37 (hg19) VCF-style: chr2-189870969-G-C.
Other names: short protein forms G1026A.
Identifiers: ClinVar variation 3075297 (VCV003075297.2), dbSNP rs1553509404, ClinGen allele CA349844963.

ClinVar aggregate classification (germline): Likely pathogenic. Review status: criteria provided, multiple submitters, no conflicts (2 of 4 stars). 2 submissions from 2 submitters: Likely pathogenic (2). Last evaluated 2025-05-05.

Conditions:
Familial thoracic aortic aneurysm and aortic dissection (TAAD). Also called: Thoracic aortic aneurysms and dissections. Identifiers: Orphanet 91387, MedGen C4707243, MONDO:0019625.
Ehlers-Danlos syndrome, type 4 (EDSVASC). Also called: Ehlers-Danlos Syndrome Type IV; Ehlers-Danlos syndrome vascular type; Ehlers Danlos syndrome, ecchymotic type; Ehlers Danlos syndrome, arterial type; Ehlers Danlos syndrome, Sack-Barabas type. Identifiers: Orphanet 286, MedGen C0268338, MONDO:0017314, OMIM 130050.

Submissions (2):

Color Diagnostics, LLC DBA Color Health
Classification: Likely pathogenic for Familial thoracic aortic aneurysm and aortic dissection. Last evaluated: 2025-05-05. Review status: criteria provided, single submitter. Criteria: ACMG Guidelines, 2015. Collection method: clinical testing. Allele origin: germline.
Comment: This missense variant replaces glycine with alanine at codon 1026 of the COL3A1 protein. Computational prediction suggests that this variant may have deleterious impact on protein structure and function. This variant changes one of the conserved glycine residues within the Gly-Xaa-Yaa repeats of the triple helix domain that are required for the structure and stability of fibrillar collagens (PMID: 7695699, 8218237, 19344236). To our knowledge, functional studies have not been reported for this variant. This variant has not been reported in individuals affected with COL3A1-related disorders in the literature. This variant has not been identified in the general population by the Genome Aggregation Database (gnomAD). Based on the available evidence, this variant is classified as Likely Pathogenic.

All of Us Research Program, National Institutes of Health
Classification: Likely pathogenic for Ehlers-Danlos syndrome, type 4. Last evaluated: 2024-01-08. Review status: criteria provided, single submitter. Criteria: ACMG Guidelines, 2015. Collection method: clinical testing. Allele origin: germline. Inheritance: Autosomal dominant inheritance. Observed: 1 variant allele, 1 heterozygote.
Comment: This missense variant replaces glycine with alanine at codon 1026 of the COL3A1 protein. Computational prediction suggests that this variant may have deleterious impact on protein structure and function. This variant changes one of the conserved glycine residues within the Gly-Xaa-Yaa repeats of the triple helix domain that are required for the structure and stability of fibrillar collagens (PMID: 7695699, 8218237, 19344236). To our knowledge, functional studies have not been reported for this variant. This variant has not been reported in individuals affected with COL3A1-related disorders in the literature. This variant has not been identified in the general population by the Genome Aggregation Database (gnomAD). Based on the available evidence, this variant is classified as Likely Pathogenic.

This study involves interpretation of variants in research participants for the purpose of population health screening. Participant phenotype was not available at the time of variant classification. Additional details can be found in publication PMID: 35346344, PMCID: PMC8962531

Literature cited by the submitters: PubMed 7695699 (cited by Color Diagnostics, LLC DBA Color Health and All of Us Research Program, National Institutes of Health); PubMed 8218237 (cited by Color Diagnostics, LLC DBA Color Health and All of Us Research Program, National Institutes of Health); PubMed 19344236 (cited by Color Diagnostics, LLC DBA Color Health and All of Us Research Program, National Institutes of Health).